The following is an entry in ClinVar:

ClinVar aggregate classification (germline): Pathogenic. Review status: criteria provided, multiple submitters, no conflicts (2 of 4 stars). 7 submissions from 7 submitters: Pathogenic (7). Last evaluated 2025-12-29.

Conditions:
Hereditary breast ovarian cancer syndrome. Also called: Breast and ovarian cancer; BRCA1- and BRCA2-Associated Hereditary Breast and Ovarian Cancer; Hereditary breast and ovarian cancer; Hereditary breast and/or ovarian cancer syndrome; Hereditary breast and ovarian cancer syndrome; Hereditary breast and ovarian cancer syndrome (HBOC). Identifiers: Orphanet 145, MedGen C0677776, MeSH D061325, MONDO:0003582. Disease mechanism: loss of function.
Hereditary cancer-predisposing syndrome. Also called: Neoplastic Syndromes, Hereditary; Tumor predisposition; Hereditary neoplastic syndrome; Hereditary Cancer Syndrome. Identifiers: Orphanet 140162, MedGen C0027672, MeSH D009386, MONDO:0015356.
Breast-ovarian cancer, familial, susceptibility to, 2 (BROVCA2). Also called: BRCA2 Hereditary Breast and Ovarian Cancer. Identifiers: Orphanet 145, MedGen C2675520, MONDO:0012933, OMIM 612555. Disease mechanism: loss of function.
Pancreatic cancer, susceptibility to, 2. Identifiers: Orphanet 1333, MedGen C3150546, MONDO:0013235, OMIM 613347.

Submissions (7):

Ambry Genetics
Classification: Pathogenic for Hereditary cancer-predisposing syndrome. Last evaluated: 2025-12-29. Review status: criteria provided, single submitter. Criteria: Ambry Variant Classification Scheme 2023. Collection method: clinical testing. Allele origin: germline.
Comment: The p.L579* pathogenic mutation (also known as c.1736T>G), located in coding exon 9 of the BRCA2 gene, results from a T to G substitution at nucleotide position 1736. This changes the amino acid from a leucine to a stop codon within coding exon 9. This variant is considered to be rare based on population cohorts in the Genome Aggregation Database (gnomAD). This alteration is expected to result in loss of function by premature protein truncation or nonsense-mediated mRNA decay. As such, this alteration is interpreted as a disease-causing mutation.

Labcorp Genetics (formerly Invitae), Labcorp
Classification: Pathogenic for Hereditary breast ovarian cancer syndrome. Last evaluated: 2025-05-21. Review status: criteria provided, single submitter. Criteria: Invitae Variant Classification Sherloc (09022015). Collection method: clinical testing. Allele origin: germline.
Comment: This sequence change creates a premature translational stop signal (p.Leu579*) in the BRCA2 gene. It is expected to result in an absent or disrupted protein product. Loss-of-function variants in BRCA2 are known to be pathogenic (PMID: 20104584). This variant is not present in population databases (gnomAD no frequency). This premature translational stop signal has been observed in individual(s) with pancreatic cancer (PMID: 25940717). ClinVar contains an entry for this variant (Variation ID: 430955). For these reasons, this variant has been classified as Pathogenic.

Department of Pathology and Laboratory Medicine, Sinai Health System
Classification: Pathogenic for Pancreatic cancer, susceptibility to, 2. Last evaluated: 2023-10-02. Review status: criteria provided, single submitter. Criteria: ACMG Guidelines, 2015. Collection method: clinical testing. Allele origin: germline. Affected: yes.

GeneDx
Classification: Pathogenic. Last evaluated: 2023-07-25. Review status: criteria provided, single submitter. Criteria: GeneDx Variant Classification Process June 2021. Collection method: clinical testing. Allele origin: germline. Affected: yes.
Comment: Nonsense variant predicted to result in protein truncation or nonsense mediated decay in a gene for which loss of function is a known mechanism of disease; Identified in individuals with breast, ovarian, or pancreatic cancer (Holter et al., 2015; Zheng et al., 2018; George et al., 2021); Truncating variants in this gene are considered pathogenic by a well-established clinical consortium and/or database; Not observed at significant frequency in large population cohorts (gnomAD); Also known as 1964T>G; This variant is associated with the following publications: (PMID: 26180923, 25940717, 25072261, 33646313, 30130155, 29790872)

Color Diagnostics, LLC DBA Color Health
Classification: Pathogenic for Hereditary cancer-predisposing syndrome. Last evaluated: 2021-11-02. Review status: criteria provided, single submitter. Criteria: ACMG Guidelines, 2015. Collection method: clinical testing. Allele origin: germline.
Comment: This variant changes 1 nucleotide in exon 10 of the BRCA2 gene, creating a premature translation stop signal. This variant is expected to result in an absent or non-functional protein product. This variant has been reported in an individual affected with pancreatic cancer (PMID: 25940717). This variant has not been identified in the general population by the Genome Aggregation Database (gnomAD). Loss of BRCA2 function is a known mechanism of disease. Based on the available evidence, this variant is classified as Pathogenic.

Women's Health and Genetics/Laboratory Corporation of America, LabCorp
Classification: Pathogenic for Hereditary breast and ovarian cancer syndrome. Last evaluated: 2019-10-30. Review status: criteria provided, single submitter. Criteria: LabCorp Variant Classification Summary - May 2015. Collection method: clinical testing. Allele origin: germline.
Comment: Variant summary: BRCA2 c.1736T>G (p.Leu579X) results in a premature termination codon, predicted to cause a truncation of the encoded protein or absence of the protein due to nonsense mediated decay, which are commonly known mechanisms for disease. Truncations downstream of this position have been classified as pathogenic by our laboratory. The variant was absent in 250840 control chromosomes (gnomAD). c.1736T>G has been reported in the literature in individuals affected with Hereditary Breast and Ovarian Cancer (Holter_2015). To our knowledge, no experimental evidence demonstrating an impact on protein function has been reported. Three ClinVar submissions (evaluation after 2014) cites the variant as pathogenic. Based on the evidence outlined above, the variant was classified as likely pathogenic.

HudsonAlpha Institute for Biotechnology
Classification: Pathogenic for Breast-ovarian cancer, familial, susceptibility to, 2. Last evaluated: 2015-11-12. Review status: criteria provided, single submitter. Criteria: HA_assertions_20150911. Collection method: research. Allele origin: unknown. Observed: 1 variant allele. Study: CSER-HudsonAlpha.

Literature cited by the submitters: PubMed 25072261 (cited by Ambry Genetics and Department of Pathology and Laboratory Medicine, Sinai Health System); PubMed 25940717 (cited by 5 submitters); PubMed 26180923 (cited by Ambry Genetics and Department of Pathology and Laboratory Medicine, Sinai Health System); PubMed 20104584 (cited by Labcorp Genetics (formerly Invitae), Labcorp).

NM_000059.4(BRCA2):c.1736T>G (p.Leu579Ter)

Gene: BRCA2 (BRCA2 DNA repair associated; plus strand). Cytogenetic location: 13q13.1.
Variant type: single nucleotide variant.
Coding change: c.1736T>G on transcript NM_000059.4 (MANE Select); coding-DNA position 1736, T replaced by G.
Protein change: p.Leu579Ter; replaces leucine 579 with a stop codon.
Molecular consequence: nonsense.
Genome position (GRCh38, 1-based): chr13:32,333,214, T>G. VCF-style: chr13-32333214-T-G. GRCh37 (hg19) VCF-style: chr13-32907351-T-G.
Other names: short protein forms L579*.
Identifiers: ClinVar variation 430955 (VCV000430955.21), dbSNP rs1131692274, ClinGen allele CA16021323.
Genomic context (GRCh38, chr13:32,333,214, plus strand): 5'-ATAATGGAAGCTGGCCAGCCACCACCACACAGAATTCTGTAGCTTTGAAGAATGCAGGTT[T>G]AATATCCACTTTGAAAAAGAAAACAAATAAGTTTATTTATGCTATACATGATGAAACATC-3'